The following is an entry in ClinVar:

ClinVar aggregate classification (germline): Uncertain significance. Review status: criteria provided, multiple submitters, no conflicts (2 of 4 stars). 4 submissions from 4 submitters: Uncertain significance (4). Last evaluated 2026-08-01.

Conditions:
Supravalvar aortic stenosis (SVAS). Also called: Supravalvar aortic stenosis, Eisenberg type. Identifiers: Orphanet 3193, MedGen C0003499, MONDO:0008504, OMIM 185500, HP:0004381.
Ascending tubular aorta aneurysm. Also called: Ascending aortic aneurysm; Ascending aortic dilation; Dilatation of the ascending aorta. Identifiers: MedGen C0856747, HP:0004970.
Vascular dilatation. Also called: Aneurysm. Identifiers: MedGen C0002940, HP:0002617.

Submissions (4):

CeGaT Center for Human Genetics Tuebingen
Classification: Uncertain significance. Last evaluated: 2026-08-01. Review status: criteria provided, single submitter. Criteria: CeGaT Center For Human Genetics Tuebingen Variant Classification Criteria Version 2. Collection method: clinical testing. Allele origin: germline. Affected: yes. Observed: 1 variant allele.

Labcorp Genetics (formerly Invitae), Labcorp
Classification: Uncertain significance for Supravalvar aortic stenosis. Last evaluated: 2026-01-17. Review status: criteria provided, single submitter. Criteria: Invitae Variant Classification Sherloc (09022015). Collection method: clinical testing. Allele origin: germline.
Comment: This variant, c.771_773dup, results in the insertion of 1 amino acid(s) of the ELN protein (p.Ala260dup), but otherwise preserves the integrity of the reading frame. This variant is present in population databases (rs782586801, gnomAD 0.006%). This variant has not been reported in the literature in individuals affected with ELN-related conditions. Experimental studies and prediction algorithms are not available or were not evaluated, and the functional significance of this variant is currently unknown. In summary, the available evidence is currently insufficient to determine the role of this variant in disease. Therefore, it has been classified as a Variant of Uncertain Significance.

GeneDx
Classification: Uncertain significance. Last evaluated: 2023-03-28. Review status: criteria provided, single submitter. Criteria: GeneDx Variant Classification Process June 2021. Collection method: clinical testing. Allele origin: germline. Affected: yes.
Comment: Has not been previously published as pathogenic or benign to our knowledge; In-frame duplication of one amino acid with an unclear effect on protein function

Centre for Mendelian Genomics, University Medical Centre Ljubljana
Classification: Uncertain significance for Vascular dilatation; Aortic root aneurysm. Last evaluated: 2014-05-27. Review status: criteria provided, single submitter. Criteria: ACMG Guidelines, 2015. Collection method: clinical testing. Allele origin: unknown. Affected: yes.

NM_000501.4(ELN):c.762AGC[5] (p.Ala260dup)

Gene: ELN (elastin; plus strand). Cytogenetic location: 7q11.23.
Variant type: Microsatellite.
Coding change: c.762AGC[5] on transcript NM_000501.4 (MANE Select); five copies in a row of the 3-base unit AGC starting at c.762; the reference has four copies in a row; one copy, 3 bases duplicated; also written c.771_773dup.
Protein change: p.Ala260dup; duplicates alanine 260.
Molecular consequence: inframe insertion.
Genome position (GRCh38, 1-based): chr7:74,048,528-74,048,530, AGC duplicated; duplicating any 3 consecutive bases within chr7:74,048,517-74,048,530 gives the same sequence; the position shown is the placement nearest the transcript's 3' end. VCF-style (leftmost placement, unchanged base first): chr7-74048516-G-GGCA. GRCh37 (hg19) VCF-style: chr7-73462846-G-GGCA.
Other names: c.759_760insGCA (NM_000501.2); c.732AGC[5], p.Ala250dup (NM_001081752.3, NM_001278917.2); c.777AGC[5], p.Ala265dup (NM_001081753.3, NM_001081754.3); c.762AGC[5], p.Ala260dup (NM_001081755.3, NM_001278912.2, NM_001278915.2 and 1 more transcripts); c.654AGC[5], p.Ala224dup (NM_001278913.2); c.747AGC[5], p.Ala255dup (NM_001278914.2); c.720AGC[5], p.Ala246dup (NM_001278916.2); c.630AGC[5], p.Ala216dup (NM_001278918.2); and 1 more.
Identifiers: ClinVar variation 374151 (VCV000374151.7), dbSNP rs782185396, ClinGen allele CA4292683.